The following is an entry in ClinVar:

ClinVar aggregate classification (germline): Pathogenic. Review status: criteria provided, multiple submitters, no conflicts (2 of 4 stars). 2 submissions from 2 submitters: Pathogenic (2). Last evaluated 2021-12-25.

Conditions:
Cohen syndrome (COH1). Also called: PEPPER SYNDROME; Cutis verticis gyrata, retinitis pigmentosa, and sensorineural deafness. Identifiers: Orphanet 193, MedGen C0265223, MONDO:0008999, OMIM 216550.

Submissions (2):

Labcorp Genetics (formerly Invitae), Labcorp
Classification: Pathogenic for Cohen syndrome. Last evaluated: 2021-12-25. Review status: criteria provided, single submitter. Criteria: Invitae Variant Classification Sherloc (09022015). Collection method: clinical testing. Allele origin: germline.
Comment: This variant is not present in population databases (gnomAD no frequency). This sequence change creates a premature translational stop signal (p.Gln2508*) in the VPS13B gene. It is expected to result in an absent or disrupted protein product. Loss-of-function variants in VPS13B are known to be pathogenic (PMID: 15141358, 16648375, 20461111). This variant has not been reported in the literature in individuals affected with VPS13B-related conditions. ClinVar contains an entry for this variant (Variation ID: 620417). For these reasons, this variant has been classified as Pathogenic.

GeneDx
Classification: Pathogenic. Last evaluated: 2018-10-25. Review status: criteria provided, single submitter. Criteria: GeneDx Variant Classification (06012015). Collection method: clinical testing. Allele origin: germline. Affected: yes.
Comment: The Q2508X variant in the VPS13B gene has not been reported previously as a pathogenic variant nor as a benign variant, to our knowledge. This variant is predicted to cause loss of normal protein function either through protein truncation or nonsense-mediated mRNA decay. The Q2508X variant is not observed in large population cohorts (Lek et al., 2016). We interpret Q2508X as a pathogenic variant.

Literature cited by the submitters: PubMed 15141358 (cited by Labcorp Genetics (formerly Invitae), Labcorp); PubMed 16648375 (cited by Labcorp Genetics (formerly Invitae), Labcorp); PubMed 20461111 (cited by Labcorp Genetics (formerly Invitae), Labcorp).

NM_152564.5(VPS13B):c.7447C>T (p.Gln2483Ter)

Gene: VPS13B (vacuolar protein sorting 13 homolog B; plus strand). Cytogenetic location: 8q22.2.
Variant type: single nucleotide variant.
Coding change: c.7447C>T on transcript NM_152564.5 (MANE Select); coding-DNA position 7447, C replaced by T.
Protein change: p.Gln2483Ter; replaces glutamine 2483 with a stop codon.
Molecular consequence: nonsense.
Genome position (GRCh38, 1-based): chr8:99,778,699, C>T. VCF-style: chr8-99778699-C-T. GRCh37 (hg19) VCF-style: chr8-100790927-C-T.
Other names: c.7522C>T, p.Gln2508Ter (NM_017890.5); short protein forms Q2483*, Q2508*.
Identifiers: ClinVar variation 620417 (VCV000620417.5), dbSNP rs980463746, ClinGen allele CA183042176.
Genomic context (GRCh38, chr8:99,778,699, plus strand): 5'-GGCTCATCTTAATTGCTGTTTTCCTTGTTTGTTTTCTCAACAGCTGCACCACAGTACCTA[C>T]AGCCATTTGTTTCCGACAGAAATATGCCATCTGAACTAGAATACATGATTGTTTCCTTCA-3'